The following is an entry in ClinVar:

ClinVar aggregate classification (germline): Pathogenic (1 of 4 stars; one submission).

Conditions:
Hereditary cancer-predisposing syndrome. Also called: Neoplastic Syndromes, Hereditary; Hereditary Cancer Syndrome; Tumor predisposition; Hereditary neoplastic syndrome. Identifiers: Orphanet 140162, MedGen C0027672, MeSH D009386, MONDO:0015356.

Submission:

Labcorp Genetics (formerly Invitae), Labcorp
Classification: Pathogenic for Hereditary cancer-predisposing syndrome. Last evaluated: 2021-12-08. Review status: criteria provided, single submitter. Criteria: Invitae Variant Classification Sherloc (09022015). Collection method: clinical testing. Allele origin: germline.
Comment: This sequence change creates a premature translational stop signal (p.His397Serfs*21) in the RAD50 gene. It is expected to result in an absent or disrupted protein product. Loss-of-function variants in RAD50 are known to be pathogenic (PMID: 19409520). This variant is present in population databases (rs770082735, gnomAD 0.002%). This variant has not been reported in the literature in individuals affected with RAD50-related conditions. ClinVar contains an entry for this variant (Variation ID: 575273). For these reasons, this variant has been classified as Pathogenic.

Literature cited by the submitters: PubMed 19409520.

NM_005732.4(RAD50):c.1188dup (p.His397fs)

Gene: RAD50 (RAD50 double strand break repair protein; plus strand). Cytogenetic location: 5q31.1.
Variant type: Duplication.
Coding change: c.1188dup on transcript NM_005732.4 (MANE Select); coding-DNA position 1188, one base duplicated (T; older notation c.1188dupT).
Protein change: p.His397fs; shifts the reading frame from histidine 397.
Molecular consequence: frameshift variant.
Genome position (GRCh38, 1-based): chr5:132,588,823, T duplicated; the last of 4 consecutive T bases (chr5:132,588,820-132,588,823); duplicating any one gives the same sequence. VCF-style (leftmost placement, unchanged base first): chr5-132588819-A-AT. GRCh37 (hg19) VCF-style: chr5-131924511-A-AT.
Other names: c.1188dupT (NM_005732.3); short protein forms H397fs.
Identifiers: ClinVar variation 575273 (VCV000575273.9), dbSNP rs770082735, ClinGen allele CA3405123.